The following is an entry in ClinVar:

ClinVar aggregate classification (germline): Uncertain significance (1 of 4 stars; one submission).

Allele frequency attached by ClinVar (database versions not stated): gnomAD exomes below 0.00001; TOPMed below 0.00001; gnomAD 0.00001.

Submission:

GeneDx
Classification: Uncertain significance. Last evaluated: 2020-01-28. Review status: criteria provided, single submitter. Criteria: GeneDx Variant Classification Process June 2021. Collection method: clinical testing. Allele origin: germline. Affected: yes.
Comment: Not observed in large population cohorts (Lek et al., 2016); In-silico analysis, which includes splice predictors and evolutionary conservation, is inconclusive as to whether the variant alters gene splicing. In the absence of RNA/functional studies, the actual effect of this sequence change is unknown.; Has not been previously published as pathogenic or benign to our knowledge

NM_004999.4(MYO6):c.3177-5T>C

Gene: MYO6 (myosin VI; plus strand). Cytogenetic location: 6q14.1.
Variant type: single nucleotide variant.
Coding change: c.3177-5T>C on transcript NM_004999.4 (MANE Select); 5 bases into the intron before coding-DNA position 3177, T replaced by C.
Molecular consequence: intron variant.
Genome position (GRCh38, 1-based): chr6:75,907,600, T>C. VCF-style: chr6-75907600-T-C. GRCh37 (hg19) VCF-style: chr6-76617317-T-C.
Other names: c.3204-5T>C (NM_001368865.1, NM_001368866.1); c.3165-5T>C (NM_001368137.1); c.3108-5T>C (NM_001300899.2, NM_001368136.1); c.3093-5T>C (NM_001368138.1).
Identifiers: ClinVar variation 1315141 (VCV001315141.2), dbSNP rs1335496279, ClinGen allele CA828150073.
Genomic context (GRCh38, chr6:75,907,600, plus strand): 5'-CCTCTTTAGTCAATGTTTTCTTCATGTTTCTGGTTTAAACATGCAAAAATGTGTAATAAT[T>C]ACAGAGGTCCTGCTGTACTAGCCACCAAAGCAGCTGCTGGTACTAAGAAATATGATCTTA-3'